The following is an entry in ClinVar:

NC_012920.1(MT-ND5):m.14029A>G

Gene: MT-ND5 (mitochondrially encoded NADH dehydrogenase 5; plus strand).
Variant type: single nucleotide variant.
Genome position: chrM-14029-A-G.
Identifiers: ClinVar variation 693650 (VCV000693650.1), dbSNP rs1603224478, ClinGen allele CA414820575.
Genomic context (GRCh38, chrMT:14,029, plus strand): 5'-AGCCAAAACCTGCCCCTACTCCTCCTAGACCTAACCTGACTAGAAAAGCTATTACCTAAA[A>G]CAATTTCACAGCACCAAATCTCCACCTCCATCATCACCTCAACCCAAAAAGGCATAATTA-3'

ClinVar aggregate classification (germline): Likely benign (1 of 4 stars; one submission).

Conditions:
Leigh syndrome (NULS). Also called: Leigh's necrotizing encephalopathy; Leigh's disease; Leigh's syndrome; LEIGH SYNDROME, NUCLEAR; Leigh Syndrome (mtDNA deletion); Leigh Disease. Identifiers: Orphanet 506, MedGen C2931891, MONDO:0009723, OMIM 256000.

Submission:

Wong Mito Lab, Molecular and Human Genetics, Baylor College of Medicine
Classification: Likely benign for Leigh syndrome. Last evaluated: 2019-10-17. Review status: criteria provided, single submitter. Criteria: Modified ACMG Guidelines (Unpublished). Collection method: clinical testing. Allele origin: germline.
Comment: The NC_012920.1:m.14029A>G (YP_003024036.1:p.Thr565Ala) variant in MTND5 gene is interpretated to be a Likely Benign variant based on the modified ACMG guidelines (unpublished). This variant meets the following evidence codes: BP4, BP6